The following is an entry in ClinVar:

ClinVar aggregate classification (germline): Benign. Review status: criteria provided, multiple submitters, no conflicts (2 of 4 stars). 3 submissions from 3 submitters: Benign (2). 1 of the submissions does not count toward it. Last evaluated 2019-12-31.

Conditions:
DNAH10-related disorder. Also called: DNAH10-related condition.

Allele frequency attached by ClinVar (database versions not stated): gnomAD 0.02309 and 0.02460; gnomAD exomes 0.00248 and 0.00604; 1000 Genomes Project 0.03255; TOPMed 0.02618; ExAC 0.00727; ESP Exome Variant Server 0.02488; 1000 Genomes Project 30x 0.03435.

Submissions (5):

Labcorp Genetics (formerly Invitae), Labcorp
Classification: Benign. Last evaluated: 2019-12-31. Review status: criteria provided, single submitter. Criteria: Invitae Variant Classification Sherloc (09022015). Collection method: clinical testing. Allele origin: germline.

Breakthrough Genomics
Classification: Benign. Review status: criteria provided, single submitter. Criteria: ACMG Guidelines, 2015. Collection method: not provided. Allele origin: germline. Inheritance: Autosomal recessive inheritance. Affected: yes.

PreventionGenetics, part of Exact Sciences
Classification: Benign for DNAH10-related condition. Last evaluated: 2024-05-15. Review status: no assertion criteria provided. Collection method: clinical testing. Allele origin: germline. Not counted in ClinVar's aggregate classification.
Comment: This variant is classified as benign based on ACMG/AMP sequence variant interpretation guidelines (Richards et al. 2015 PMID: 25741868, with internal and published modifications).

Dr. Peter K. Rogan Lab, Western University
No classification provided (evidence only). Condition: Uterine corpus endometrial carcinoma. Review status: no classification provided. Collection method: in vitro. Allele origin: not applicable. Functional consequence: retained intron. Not counted in ClinVar's aggregate classification.

Dr. Peter K. Rogan Lab, Western University
No classification provided (evidence only). Condition: Uterine corpus endometrial carcinoma. Review status: no classification provided. Collection method: in vitro. Allele origin: not applicable. Functional consequence: retained intron. Not counted in ClinVar's aggregate classification.

NM_001372106.1(DNAH10):c.9249A>G (p.Gln3083=)

Gene: DNAH10 (dynein axonemal heavy chain 10; plus strand). Cytogenetic location: 12q24.31.
Variant type: single nucleotide variant.
Coding change: c.9249A>G on transcript NM_001372106.1 (MANE Select); coding-DNA position 9249, A replaced by G.
Protein change: p.Gln3083=; no amino-acid change (glutamine 3083 retained).
Molecular consequence: synonymous variant.
Genome position (GRCh38, 1-based): chr12:123,894,692, A>G. VCF-style: chr12-123894692-A-G. GRCh37 (hg19) VCF-style: chr12-124379239-A-G.
Other names: NC_000012.11:g.124379239A>G; c.8895A>G, p.Gln2965= (NM_207437.3).
Identifiers: ClinVar variation 768596 (VCV000768596.7), dbSNP rs115841994, ClinGen allele CA6864996.
Genomic context (GRCh38, chr12:123,894,692, plus strand): 5'-TTCCTTTCAAGGTATGGTAAATAACACTGGTATTGACTGGTTCATGCCCTGGCCTCCCCA[A>G]GCCCTCCATGCGGTCGCAAAGTCCTTTCTAGGTAAGTCACAGCTGTTATGGGAACTGCAT-3'
Protein context (NP_001359035.1, residues 3073-3093): GIDWFMPWPP[Gln3083=]ALHAVAKSFL